The following is an entry in ClinVar:

NM_001377.3(DYNC2H1):c.5825C>T (p.Ala1942Val)

Gene: DYNC2H1 (dynein cytoplasmic 2 heavy chain 1; plus strand). Cytogenetic location: 11q22.3.
Variant type: single nucleotide variant.
Coding change: c.5825C>T on transcript NM_001377.3 (MANE Select); coding-DNA position 5825, C replaced by T.
Protein change: p.Ala1942Val; replaces alanine 1942 with valine.
Molecular consequence: missense variant.
Genome position (GRCh38, 1-based): chr11:103,176,385, C>T. VCF-style: chr11-103176385-C-T. GRCh37 (hg19) VCF-style: chr11-103047114-C-T.
Other names: c.5825C>T, p.Ala1942Val (NM_001080463.2); short protein forms A1942V.
Identifiers: ClinVar variation 4780023 (VCV004780023.1).

ClinVar aggregate classification (germline): Uncertain significance (1 of 4 stars; one submission).

Conditions:
Jeune thoracic dystrophy. Also called: Jeune syndrome; Infantile thoracic dystrophy; Thoracic pelvic phalangeal dystrophy; Jeune's syndrome; Chondroectodermal dysplasia-like syndrome; Short-rib thoracic dysplasia. Identifiers: Orphanet 474, MedGen C0265275, MONDO:0018770.

Submission:

Labcorp Genetics (formerly Invitae), Labcorp
Classification: Uncertain significance for Jeune thoracic dystrophy. Last evaluated: 2025-09-19. Review status: criteria provided, single submitter. Criteria: Invitae Variant Classification Sherloc (09022015). Collection method: clinical testing. Allele origin: germline.
Comment: This sequence change replaces alanine, which is neutral and non-polar, with valine, which is neutral and non-polar, at codon 1942 of the DYNC2H1 protein (p.Ala1942Val). This variant is not present in population databases (gnomAD no frequency). This variant has not been reported in the literature in individuals affected with DYNC2H1-related conditions. Invitae Evidence Modeling of protein sequence and biophysical properties (such as structural, functional, and spatial information, amino acid conservation, physicochemical variation, residue mobility, and thermodynamic stability) indicates that this missense variant is expected to disrupt DYNC2H1 protein function with a positive predictive value of 95%. In summary, the available evidence is currently insufficient to determine the role of this variant in disease. Therefore, it has been classified as a Variant of Uncertain Significance.